The following is an entry in ClinVar:

ClinVar aggregate classification (germline): Likely pathogenic (1 of 4 stars; one submission).

Conditions:
PCNT-related disorder. Also called: PCNT-related condition.

Submission:

PreventionGenetics, part of Exact Sciences
Classification: Likely pathogenic for PCNT-related condition. Last evaluated: 2026-03-23. Review status: criteria provided, single submitter. Criteria: ACMG Guidelines, 2015. Collection method: clinical testing. Allele origin: germline.
Comment: The PCNT c.2360delA variant is predicted to result in a frameshift and premature protein termination (p.Asn787Thrfs*10). To our knowledge, this variant has not been reported in the literature or in a large population database (gnomAD), indicating this variant is rare. Frameshift variants in PCNT are expected to be pathogenic. This variant is interpreted as likely pathogenic.

NM_006031.6(PCNT):c.2360del (p.Asn787fs)

Gene: PCNT (pericentrin; plus strand). Cytogenetic location: 21q22.3.
Variant type: Deletion.
Coding change: c.2360del on transcript NM_006031.6 (MANE Select); coding-DNA position 2360, one base deleted (A; older notation c.2360delA).
Protein change: p.Asn787fs; shifts the reading frame from asparagine 787.
Molecular consequence: frameshift variant.
Genome position (GRCh38, 1-based): chr21:46,363,685, A deleted; the last of 3 consecutive A bases (chr21:46,363,683-46,363,685); deleting any one gives the same sequence. VCF-style (leftmost placement, unchanged base first): chr21-46363682-TA-T. GRCh37 (hg19) VCF-style: chr21-47783597-TA-T.
Other names: c.2006del, p.Asn669fs (NM_001315529.2); short protein forms N787fs, N669fs.
Identifiers: ClinVar variation 4990857 (VCV004990857.1).